The following is an entry in ClinVar:

NM_145199.3(LIPT1):c.-2+19C>T

Gene: LIPT1 (lipoyltransferase 1; plus strand). Cytogenetic location: 2q11.2.
Variant type: single nucleotide variant.
Coding change: c.-2+19C>T on transcript NM_145199.3 (MANE Select); 19 bases into the intron after 2 bases upstream of the start codon, C replaced by T.
Molecular consequence: intron variant.
Genome position (GRCh38, 1-based): chr2:99,155,070, C>T. VCF-style: chr2-99155070-C-T. GRCh37 (hg19) VCF-style: chr2-99771533-C-T.
Other names: c.-256+19C>T (NM_145197.3); c.-244+19C>T (NM_145198.3); c.-128+19C>T (NM_015929.4).
Identifiers: ClinVar variation 379989 (VCV000379989.2), dbSNP rs2516834, ClinGen allele CA1797250.

ClinVar aggregate classification (germline): Benign. Review status: criteria provided, multiple submitters, no conflicts (2 of 4 stars). 2 submissions from 2 submitters: Benign (2). Last evaluated 2015-12-02.

Allele frequency attached by ClinVar (database versions not stated): gnomAD 0.57257 and 0.57922; TOPMed 0.57640; 1000 Genomes Project 30x 0.59791; 1000 Genomes Project 0.60543; gnomAD exomes 0.62302 and 0.62480; ExAC 0.63596.
gnomAD v4.1: 277,136 of 455,270 alleles (61%); highest among the groups gnomAD compares: East Asian, 88%; 86,043 homozygotes.

Submissions (2):

GeneDx
Classification: Benign. Last evaluated: 2015-12-02. Review status: criteria provided, single submitter. Criteria: GeneDx Variant Classification (06012015). Collection method: clinical testing. Allele origin: germline. Affected: yes.
Comment: This variant is considered likely benign or benign based on one or more of the following criteria: it is a conservative change, it occurs at a poorly conserved position in the protein, it is predicted to be benign by multiple in silico algorithms, and/or has population frequency not consistent with disease.

Breakthrough Genomics
Classification: Benign. Review status: criteria provided, single submitter. Criteria: ACMG Guidelines, 2015. Collection method: not provided. Allele origin: germline. Inheritance: Autosomal recessive inheritance. Affected: yes.